The following is an entry in ClinVar:

ClinVar aggregate classification (germline): Uncertain significance. Review status: criteria provided, multiple submitters, no conflicts (2 of 4 stars). 2 submissions from 2 submitters: Uncertain significance (2). Last evaluated 2025-12-18.

Conditions:
Hereditary cancer-predisposing syndrome. Also called: Neoplastic Syndromes, Hereditary; Hereditary neoplastic syndrome; Tumor predisposition; Hereditary Cancer Syndrome. Identifiers: Orphanet 140162, MedGen C0027672, MeSH D009386, MONDO:0015356.
POLD1-related polyposis and colorectal cancer syndrome (CRCS10). Also called: Colorectal cancer 10; COLORECTAL CANCER, SUSCEPTIBILITY TO, ON CHROMOSOME 19q; Colorectal cancer, susceptibility to, 10. Identifiers: Orphanet 220460, MedGen C2675481, MONDO:0012953, OMIM 612591.

Submissions (2):

Ambry Genetics
Classification: Uncertain significance for Hereditary cancer-predisposing syndrome. Last evaluated: 2025-12-18. Review status: criteria provided, single submitter. Criteria: Ambry Variant Classification Scheme 2023. Collection method: clinical testing. Allele origin: germline.
Comment: The c.108_110delGGA variant (also known as p.E36del) is located in coding exon 1 of the POLD1 gene. This variant results from an in-frame GGA deletion at nucleotide positions 108 to 110. This results in the in-frame deletion of a glutamic acid at codon 36. This amino acid position is well conserved in available vertebrate species. In addition, the in silico prediction for this variant is inconclusive (Choi Y et al. PLoS ONE. 2012; 7(10):e46688). Since supporting evidence is limited at this time, the clinical significance of this alteration remains unclear.

Labcorp Genetics (formerly Invitae), Labcorp
Classification: Uncertain significance for POLD1-related polyposis and colorectal cancer syndrome. Last evaluated: 2025-10-13. Review status: criteria provided, single submitter. Criteria: Invitae Variant Classification Sherloc (09022015). Collection method: clinical testing. Allele origin: germline.
Comment: This variant, c.108_110del, results in the deletion of 1 amino acid(s) of the POLD1 protein (p.Glu36del), but otherwise preserves the integrity of the reading frame. This variant is not present in population databases (gnomAD no frequency). This variant has not been reported in the literature in individuals affected with POLD1-related conditions. Experimental studies and prediction algorithms are not available or were not evaluated, and the functional significance of this variant is currently unknown. RNA analysis performed to evaluate the impact of this variant on mRNA splicing indicates it does not significantly alter splicing (internal data). In summary, the available evidence is currently insufficient to determine the role of this variant in disease. Therefore, it has been classified as a Variant of Uncertain Significance.

NM_002691.4(POLD1):c.105GGA[1] (p.Glu36del)

Gene: POLD1 (DNA polymerase delta 1, catalytic subunit; plus strand). Cytogenetic location: 19q13.33.
Variant type: Microsatellite.
Coding change: c.105GGA[1] on transcript NM_002691.4 (MANE Select); one copy of the 3-base unit GGA starting at c.105; the reference has two copies in a row; one copy, 3 bases deleted.
Protein change: p.Glu36del; deletes glutamic acid 36.
Molecular consequence: inframe deletion. On other transcripts: non-coding transcript variant (1).
Genome position (GRCh38, 1-based): chr19:50,398,959-50,398,961, GGA deleted; deleting any 3 consecutive bases within chr19:50,398,954-50,398,961 gives the same sequence; the position shown is the placement nearest the transcript's 3' end. VCF-style (leftmost placement, unchanged base first): chr19-50398953-CGAG-C. GRCh37 (hg19) VCF-style: chr19-50902210-CGAG-C.
Other names: c.105GGA[1], p.Glu36del (NM_001256849.1, NM_001308632.1); short protein forms E36del.
Identifiers: ClinVar variation 469172 (VCV000469172.10), dbSNP rs1555789096, ClinGen allele CA658658855.